The following is an entry in ClinVar:

NM_001267550.2(TTN):c.102959_102962dup (p.Ser34322fs)

Genes: TTN (titin; minus strand), TTN-AS1 (TTN antisense RNA 1; plus strand). Cytogenetic location: 2q31.2.
Variant type: Duplication.
Coding change: c.102959_102962dup on transcript NM_001267550.2 (MANE Select); coding-DNA positions 102959 to 102962, 4 bases duplicated (TCAA; older notation c.102959_102962dupTCAA).
Protein change: p.Ser34322fs; shifts the reading frame from serine 34322.
Molecular consequence: frameshift variant.
Genome position (GRCh38, 1-based): chr2:178,533,653-178,533,656, TTGA duplicated on the plus strand (TCAA on the coding strand, the reverse complement: TTN is on the minus strand); duplicating any 4 consecutive bases within chr2:178,533,653-178,533,659 gives the same sequence; the c. name uses the placement nearest the transcript's 3' end. VCF-style (leftmost placement, unchanged base first): chr2-178533652-G-GTTGA. GRCh37 (hg19) VCF-style: chr2-179398379-G-GTTGA.
Other names: c.98036_98039dup, p.Ser32681fs (NM_001256850.1); c.75764_75767dup, p.Ser25257fs (NM_003319.4); c.95255_95258dup, p.Ser31754fs (NM_133378.4); c.76139_76142dup, p.Ser25382fs (NM_133432.3); c.76340_76343dup, p.Ser25449fs (NM_133437.4); c.75764_75767dupTCAA (NM_003319.4); short protein forms S25257fs, S32681fs, S34322fs, S25449fs, S25382fs, S31754fs.
Identifiers: ClinVar variation 4193776 (VCV004193776.1).

ClinVar aggregate classification (germline): Likely pathogenic (1 of 4 stars; one submission).

Conditions:
Cardiovascular phenotype. Identifiers: MedGen CN230736.

Submission:

Ambry Genetics
Classification: Likely pathogenic for Cardiovascular phenotype. Last evaluated: 2025-09-03. Review status: criteria provided, single submitter. Criteria: Ambry Variant Classification Scheme 2023. Collection method: clinical testing. Allele origin: germline.
Comment: The c.75764_75767dupTCAA variant, located in coding exon 185 of the TTN gene, results from a duplication of TCAA at nucleotide position 75764, causing a translational frameshift with a predicted alternate stop codon (p.S25257Qfs*7). This exon is located in the M-band region of the N2-B isoform of the titin protein and is constitutively expressed in TTN transcripts (percent spliced in or PSI 100%). This variant is considered to be rare based on population cohorts in the Genome Aggregation Database (gnomAD). This variant is expected to result in loss of function by premature protein truncation or nonsense-mediated mRNA decay. While truncating variants in TTN are present in 1-3% of the general population, truncating variants in the M-band have been reported in association with autosomal recessive titinopathies, primarily presenting with skeletal myopathy phenotypes (Ceyhan-Birsoy O et al. Neurology. 2013 Oct 1;81(14):1205-14; De Cid R et al. Neurology. 2015;85(24):2126-35). Truncating variants in coding exon 185 of the M-band of the N2-B isoform have also been specifically associated with autosomal dominant dilated cardiomyopathy (Vatta M et al. Circ GenomPrecis Med. 2025 Feb:e004982). More generally, TTN truncating variants encoded in constitutive exons (PSI >90%) have been found to be significantly associated with dilated cardiomyopathy (DCM) regardless of their position, although truncating variants in the A-band are the most common cause of DCM (Herman DS et al. N. Engl. J. Med., 2012 Feb;366:619-28; Roberts AM et al. Sci Transl Med, 2015 Jan;7:270ra6; Schafer S et al. Nat. Genet., 2017 01;49:46-53; Akhtar MM et al. Circ Heart Fail, 2020 Oct;13:e006832; Massier M et al. Clin Genet, 2025 Jan). Based on the majority of available evidence to date, this variant is likely to be pathogenic.